The following is an entry in ClinVar:

ClinVar aggregate classification (germline): Uncertain significance. Review status: criteria provided, multiple submitters, no conflicts (2 of 4 stars). 4 submissions from 4 submitters: Uncertain significance (3). 1 of the submissions does not count toward it. Last evaluated 2024-05-12.

Conditions:
Bloom syndrome (BLM). Also called: Bloom-Torre-Machacek syndrome. Identifiers: Orphanet 125, MedGen C0005859, MONDO:0008876, OMIM 210900.
Hereditary cancer-predisposing syndrome. Also called: Neoplastic Syndromes, Hereditary; Tumor predisposition; Hereditary Cancer Syndrome; Hereditary neoplastic syndrome. Identifiers: Orphanet 140162, MedGen C0027672, MeSH D009386, MONDO:0015356.

Allele frequency attached by ClinVar (database versions not stated): gnomAD exomes 0.00001 and 0.00002; ExAC 0.00002; gnomAD 0.00002; TOPMed 0.00002.
gnomAD v4.1: 13 of 1,613,828 alleles (0.00081%); highest among the groups gnomAD compares: African/African-American, 0.0013%; no homozygotes.

Submissions (4):

Labcorp Genetics (formerly Invitae), Labcorp
Classification: Uncertain significance for Bloom syndrome. Last evaluated: 2024-05-12. Review status: criteria provided, single submitter. Criteria: Invitae Variant Classification Sherloc (09022015). Collection method: clinical testing. Allele origin: germline.
Comment: This sequence change replaces methionine, which is neutral and non-polar, with threonine, which is neutral and polar, at codon 655 of the BLM protein (p.Met655Thr). This variant is present in population databases (rs748567176, gnomAD 0.01%). This variant has not been reported in the literature in individuals affected with BLM-related conditions. ClinVar contains an entry for this variant (Variation ID: 485343). Advanced modeling of protein sequence and biophysical properties (such as structural, functional, and spatial information, amino acid conservation, physicochemical variation, residue mobility, and thermodynamic stability) performed at Invitae indicates that this missense variant is expected to disrupt BLM protein function with a positive predictive value of 80%. In summary, the available evidence is currently insufficient to determine the role of this variant in disease. Therefore, it has been classified as a Variant of Uncertain Significance.

GeneDx
Classification: Uncertain significance. Last evaluated: 2024-05-08. Review status: criteria provided, single submitter. Criteria: GeneDx Variant Classification Process June 2021. Collection method: clinical testing. Allele origin: germline. Affected: yes.
Comment: In silico analysis supports that this missense variant has a deleterious effect on protein structure/function; Has not been previously published as pathogenic or benign to our knowledge; This variant is associated with the following publications: (PMID: 32704157)

Ambry Genetics
Classification: Uncertain significance for Hereditary cancer-predisposing syndrome. Last evaluated: 2024-05-02. Review status: criteria provided, single submitter. Criteria: Ambry Variant Classification Scheme 2023. Collection method: clinical testing. Allele origin: germline.
Comment: The p.M655T variant (also known as c.1964T>C), located in coding exon 7 of the BLM gene, results from a T to C substitution at nucleotide position 1964. The methionine at codon 655 is replaced by threonine, an amino acid with similar properties. This amino acid position is highly conserved in available vertebrate species. In addition, this alteration is predicted to be deleterious by in silico analysis. Since supporting evidence is limited at this time, the clinical significance of this alteration remains unclear.

Natera, Inc.
Classification: Uncertain significance for Bloom syndrome. Last evaluated: 2018-09-02. Review status: no assertion criteria provided. Collection method: clinical testing. Allele origin: germline. Not counted in ClinVar's aggregate classification.

NM_000057.4(BLM):c.1964T>C (p.Met655Thr)

Gene: BLM (BLM RecQ like helicase; plus strand). Cytogenetic location: 15q26.1.
Variant type: single nucleotide variant.
Coding change: c.1964T>C on transcript NM_000057.4 (MANE Select); coding-DNA position 1964, T replaced by C.
Protein change: p.Met655Thr; replaces methionine 655 with threonine.
Molecular consequence: missense variant.
Genome position (GRCh38, 1-based): chr15:90,763,047, T>C. VCF-style: chr15-90763047-T-C. GRCh37 (hg19) VCF-style: chr15-91306277-T-C.
Other names: c.839T>C, p.Met280Thr (NM_001287248.2); c.1964T>C, p.Met655Thr (NM_001287246.2, NM_001287247.2); c.1964T>C (LRG_20t1); short protein forms M655T, M280T.
Identifiers: ClinVar variation 485343 (VCV000485343.17), dbSNP rs748567176, ClinGen allele CA7738628.